The following is an entry in ClinVar:

ClinVar aggregate classification (germline): Uncertain significance. Review status: criteria provided, multiple submitters, no conflicts (2 of 4 stars). 2 submissions from 2 submitters: Uncertain significance (2). Last evaluated 2025-05-18.

gnomAD v4.1: 3 of 1,614,160 alleles (0.00019%); highest among the groups gnomAD compares: Admixed American, 0.005%; no homozygotes.

Submissions (2):

Labcorp Genetics (formerly Invitae), Labcorp
Classification: Uncertain significance. Last evaluated: 2025-05-18. Review status: criteria provided, single submitter. Criteria: Invitae Variant Classification Sherloc (09022015). Collection method: clinical testing. Allele origin: germline.
Comment: This sequence change replaces isoleucine, which is neutral and non-polar, with serine, which is neutral and polar, at codon 235 of the SLC41A1 protein (p.Ile235Ser). This variant is present in population databases (rs758381035, gnomAD 0.003%). This variant has not been reported in the literature in individuals affected with SLC41A1-related conditions. ClinVar contains an entry for this variant (Variation ID: 1911632). An algorithm developed to predict the effect of missense changes on protein structure and function (PolyPhen-2) suggests that this variant is likely to be disruptive. In summary, the available evidence is currently insufficient to determine the role of this variant in disease. Therefore, it has been classified as a Variant of Uncertain Significance.

Ambry Genetics
Classification: Uncertain significance. Last evaluated: 2024-07-31. Review status: criteria provided, single submitter. Criteria: Ambry Variant Classification Scheme 2023. Collection method: clinical testing. Allele origin: germline.

NM_173854.6(SLC41A1):c.704T>G (p.Ile235Ser)

Gene: SLC41A1 (solute carrier family 41 member 1; minus strand). Cytogenetic location: 1q32.1.
Variant type: single nucleotide variant.
Coding change: c.704T>G on transcript NM_173854.6 (MANE Select); coding-DNA position 704, T replaced by G.
Protein change: p.Ile235Ser; replaces isoleucine 235 with serine.
Molecular consequence: missense variant.
Genome position (GRCh38, 1-based): chr1:205,798,809, A>C on the plus strand (T>G on the coding strand, the complement: SLC41A1 is on the minus strand). VCF-style: chr1-205798809-A-C. GRCh37 (hg19) VCF-style: chr1-205767937-A-C.
Other names: c.704T>G (NM_173854.4); short protein forms I235S.
Identifiers: ClinVar variation 1911632 (VCV001911632.6), dbSNP rs758381035, ClinGen allele CA1357310.